The following is an entry in ClinVar:

ClinVar aggregate classification (germline): Uncertain significance (1 of 4 stars; one submission).

Conditions:
Early-infantile DEE. Also called: Early infantile epileptic encephalopathy; Ohtahara syndrome; Early infantile epileptic encephalopathy with suppression bursts. Identifiers: Orphanet 1934, MedGen C0393706, MONDO:0800491.

Submission:

Labcorp Genetics (formerly Invitae), Labcorp
Classification: Uncertain significance for Early-infantile DEE. Last evaluated: 2022-05-08. Review status: criteria provided, single submitter. Criteria: Invitae Variant Classification Sherloc (09022015). Collection method: clinical testing. Allele origin: germline.
Comment: This sequence change replaces tyrosine, which is neutral and polar, with histidine, which is basic and polar, at codon 2172 of the SPTAN1 protein (p.Tyr2172His). In summary, the available evidence is currently insufficient to determine the role of this variant in disease. Therefore, it has been classified as a Variant of Uncertain Significance. Algorithms developed to predict the effect of missense changes on protein structure and function (SIFT, PolyPhen-2, Align-GVGD) all suggest that this variant is likely to be disruptive. This variant has not been reported in the literature in individuals affected with SPTAN1-related conditions. This variant is not present in population databases (gnomAD no frequency).

NM_001130438.3(SPTAN1):c.6514T>C (p.Tyr2172His)

Gene: SPTAN1 (spectrin alpha, non-erythrocytic 1; plus strand). Cytogenetic location: 9q34.11.
Variant type: single nucleotide variant.
Coding change: c.6514T>C on transcript NM_001130438.3 (MANE Select); coding-DNA position 6514, T replaced by C.
Protein change: p.Tyr2172His; replaces tyrosine 2172 with histidine.
Molecular consequence: missense variant.
Genome position (GRCh38, 1-based): chr9:128,626,625, T>C. VCF-style: chr9-128626625-T-C. GRCh37 (hg19) VCF-style: chr9-131388904-T-C.
Other names: c.6439T>C, p.Tyr2147His (NM_001195532.2); c.6514T>C, p.Tyr2172His (NM_001363759.2, NM_001375310.1, NM_001375311.2 and 1 more transcripts); c.6454T>C, p.Tyr2152His (NM_001363765.2, NM_001375314.2); c.6550T>C, p.Tyr2184His (NM_001375312.2, NM_001375318.1); c.6499T>C, p.Tyr2167His (NM_003127.4); short protein forms Y2167H, Y2152H, Y2172H, Y2184H, Y2147H.
Identifiers: ClinVar variation 2135379 (VCV002135379.4), dbSNP rs2542210975, ClinGen allele CA375089526.